The following is an entry in ClinVar:

ClinVar aggregate classification (germline): Likely benign. Review status: criteria provided, multiple submitters, no conflicts (2 of 4 stars). 2 submissions from 2 submitters: Likely benign (2). Last evaluated 2026-07-01.

Allele frequency attached by ClinVar (database versions not stated): gnomAD exomes 0.00001; TOPMed 0.00001; gnomAD 0.00002; ExAC 0.00004.
gnomAD v4.1: 15 of 1,178,460 alleles (0.0013%); highest among the groups gnomAD compares: Middle Eastern, 0.13%; no homozygotes.

Submissions (2):

CeGaT Center for Human Genetics Tuebingen
Classification: Likely benign. Last evaluated: 2026-07-01. Review status: criteria provided, single submitter. Criteria: CeGaT Center For Human Genetics Tuebingen Variant Classification Criteria Version 2. Collection method: clinical testing. Allele origin: germline. Affected: yes. Observed: 2 variant alleles.
Comment: CACNA1F: BP4, BP7, BS2

Labcorp Genetics (formerly Invitae), Labcorp
Classification: Likely benign. Last evaluated: 2022-08-24. Review status: criteria provided, single submitter. Criteria: Invitae Variant Classification Sherloc (09022015). Collection method: clinical testing. Allele origin: germline.

NM_001256789.3(CACNA1F):c.567C>T (p.Asp189=)

Gene: CACNA1F (calcium voltage-gated channel subunit alpha1 F; minus strand). Cytogenetic location: Xp11.23.
Variant type: single nucleotide variant.
Coding change: c.567C>T on transcript NM_001256789.3 (MANE Select); coding-DNA position 567, C replaced by T.
Protein change: p.Asp189=; no amino-acid change (aspartic acid 189 retained).
Molecular consequence: synonymous variant.
Genome position (GRCh38, 1-based): chrX:49,230,564, G>A on the plus strand (C>T on the coding strand, the complement: CACNA1F is on the minus strand). VCF-style: chrX-49230564-G-A. GRCh37 (hg19) VCF-style: chrX-49087026-G-A.
Other names: c.372C>T, p.Asp124= (NM_001256790.3); c.567C>T, p.Asp189= (NM_005183.4).
Identifiers: ClinVar variation 1911718 (VCV001911718.29), dbSNP rs782442179, ClinGen allele CA10411062.
Genomic context (GRCh38, chrX:49,230,564, plus strand): 5'-CCGAAACGCCCTCAATGCCTTCACATCGAAGCCTCCTGGCTTTCCCCCGGTGTGCGGGGC[G>A]TCGCCTGGCCGTCCGGGGCCCTGCTCCAGCAGAACGCTGAACAGCCTGATGGGGGAGCAC-3'
Protein context (NP_001243718.1, residues 179-199): LLEQGPGRPG[Asp189=]APHTGGKPGG